The following is an entry in ClinVar:

NM_001374736.1(DST):c.12690T>G (p.Asp4230Glu)

Gene: DST (dystonin; minus strand). Cytogenetic location: 6p12.1.
Variant type: single nucleotide variant.
Coding change: c.12690T>G on transcript NM_001374736.1 (MANE Select); coding-DNA position 12690, T replaced by G.
Protein change: p.Asp4230Glu; replaces aspartic acid 4230 with glutamic acid.
Molecular consequence: missense variant.
Genome position (GRCh38, 1-based): chr6:56,593,699, A>C on the plus strand (T>G on the coding strand, the complement: DST is on the minus strand). VCF-style: chr6-56593699-A-C. GRCh37 (hg19) VCF-style: chr6-56458497-A-C.
Other names: c.6333T>G, p.Asp2111Glu (NM_001144769.5); c.5919T>G, p.Asp1973Glu (NM_001144770.2); c.12690T>G, p.Asp4230Glu (NM_001374722.1); c.12057T>G, p.Asp4019Glu (NM_001374729.1); c.5799T>G, p.Asp1933Glu (NM_001374730.1, NM_001386100.1, NM_183380.4); c.12717T>G, p.Asp4239Glu (NM_001374734.1); c.4821T>G, p.Asp1607Glu (NM_015548.5); short protein forms D1933E, D2111E, D1607E, D4019E, D4239E, D1973E, D4230E.
Identifiers: ClinVar variation 1033367 (VCV001033367.3), dbSNP rs914995831, ClinGen allele CA139189457.

ClinVar aggregate classification (germline): Uncertain significance. Review status: criteria provided, multiple submitters, no conflicts (2 of 4 stars). 2 submissions from 2 submitters: Uncertain significance (2). Last evaluated 2022-06-21.

Conditions:
Epidermolysis bullosa simplex 3, localized or generalized intermediate, with BP230 deficiency (EBS3). Also called: Epidermolysis bullosa simplex due to BP230 deficiency; Epidermolysis bullosa simplex, autosomal recessive 2. Identifiers: Orphanet 412181, MedGen C3809470, MONDO:0014180, OMIM 615425.
Hereditary sensory and autonomic neuropathy type 6. Also called: HSAN VI; Neuropathy, hereditary sensory and autonomic, type VI. Identifiers: Orphanet 314381, MedGen C3539003, MONDO:0013839, OMIM 614653.

Allele frequency attached by ClinVar (database versions not stated): TOPMed below 0.00001; gnomAD 0.00001; gnomAD exomes 0.00001.
gnomAD v4.1: 15 of 1,610,238 alleles (0.00093%); highest among the groups gnomAD compares: Non-Finnish European, 0.0011%; no homozygotes.

Submissions (2):

Labcorp Genetics (formerly Invitae), Labcorp
Classification: Uncertain significance for Epidermolysis bullosa simplex 3, localized or generalized intermediate, with BP230 deficiency; Hereditary sensory and autonomic neuropathy type 6. Last evaluated: 2022-06-21. Review status: criteria provided, single submitter. Criteria: Invitae Variant Classification Sherloc (09022015). Collection method: clinical testing. Allele origin: germline.
Comment: The DST gene has multiple clinically relevant transcripts. This variant occurs in alternate transcript NM_015548.4, and corresponds to NM_001723.5:c.*21818T>G in the primary transcript. This sequence change replaces aspartic acid, which is acidic and polar, with glutamic acid, which is acidic and polar, at codon 1607 of the DST protein (p.Asp1607Glu). This variant is present in population databases (no rsID available, gnomAD 0.002%). This variant has not been reported in the literature in individuals affected with DST-related conditions. Experimental studies and prediction algorithms are not available or were not evaluated, and the functional significance of this variant is currently unknown. In summary, the available evidence is currently insufficient to determine the role of this variant in disease. Therefore, it has been classified as a Variant of Uncertain Significance.

Baylor Genetics
Classification: Uncertain significance for Hereditary sensory and autonomic neuropathy type 6. Last evaluated: 2018-04-19. Review status: criteria provided, single submitter. Criteria: ACMG Guidelines, 2015. Collection method: clinical testing. Allele origin: unknown. Affected: yes.
Comment: This variant was determined to be of uncertain significance according to ACMG Guidelines, 2015 [PMID:25741868].